The following is an entry in ClinVar:

NM_001034853.2(RPGR):c.2873_2874insGGATGGAGGAAGGAGAAGGGGAAGGGGAGGATGGAGAAGGGGAGGGGGAAGAGGAGGAAGGAGAATGGGAGGGGGA (p.Glu959fs)

Gene: RPGR (retinitis pigmentosa GTPase regulator; minus strand). Cytogenetic location: Xp11.4.
Variant type: Insertion.
Coding change: c.2873_2874insGGATGGAGGAAGGAGAAGGGGAAGGGGAGGATGGAGAAGGGGAGGGGGAAGAGGAGGAAGGAGAATGGGAGGGGGA on transcript NM_001034853.2 (MANE Select); coding-DNA positions 2873 to 2874, GGATGGAGGAAGGAGAAGGGGAAGGGGAGGATGGAGAAGGGGAGGGGGAAGAGGAGGAAGGAGAATGGGAGGGGGA inserted.
Protein change: p.Glu959fs; shifts the reading frame from glutamic acid 959.
Molecular consequence: frameshift variant. On other transcripts: intron variant (8).
Genome position: GRCh38: chrX:38,286,197-38,286,198. GRCh37 (hg19): chrX:38,145,450-38,145,451.
Other names: c.1569+4833_1569+4834insGGAGGAAGGAGAAGGGGAAGGGGAGGATGGAGAAGGGGAGGGGGAAGAGGAGGAAGGAGAATGGGAGGGGGAGGAT (NM_001367249.1, NM_001367250.1); c.1902+968_1902+969insGGAGGAAGGAGAAGGGGAAGGGGAGGATGGAGAAGGGGAGGGGGAAGAGGAGGAAGGAGAATGGGAGGGGGAGGAT (NM_001367245.1); c.1386+4833_1386+4834insGGAGGAAGGAGAAGGGGAAGGGGAGGATGGAGAAGGGGAGGGGGAAGAGGAGGAAGGAGAATGGGAGGGGGAGGAT (NM_001367251.1); c.1719+968_1719+969insGGAGGAAGGAGAAGGGGAAGGGGAGGATGGAGAAGGGGAGGGGGAAGAGGAGGAAGGAGAATGGGAGGGGGAGGAT (NM_001367246.1); c.1572+4833_1572+4834insGGAGGAAGGAGAAGGGGAAGGGGAGGATGGAGAAGGGGAGGGGGAAGAGGAGGAAGGAGAATGGGAGGGGGAGGAT (NM_001367247.1); c.1905+968_1905+969insGGAGGAAGGAGAAGGGGAAGGGGAGGATGGAGAAGGGGAGGGGGAAGAGGAGGAAGGAGAATGGGAGGGGGAGGAT (NM_000328.3); c.1602+4833_1602+4834insGGAGGAAGGAGAAGGGGAAGGGGAGGATGGAGAAGGGGAGGGGGAAGAGGAGGAAGGAGAATGGGAGGGGGAGGAT (NM_001367248.1); short protein forms E959fs.
Identifiers: ClinVar variation 2013703 (VCV002013703.4), dbSNP rs2519785831, ClinGen allele CA2580100834.

ClinVar aggregate classification (germline): Pathogenic (1 of 4 stars; one submission).

Conditions:
Primary ciliary dyskinesia. Also called: Ciliary dyskinesia. Identifiers: Orphanet 244, MedGen C0008780, MONDO:0016575, HP:0012265.

Submission:

Labcorp Genetics (formerly Invitae), Labcorp
Classification: Pathogenic for Primary ciliary dyskinesia. Last evaluated: 2022-07-14. Review status: criteria provided, single submitter. Criteria: Invitae Variant Classification Sherloc (09022015). Collection method: clinical testing. Allele origin: germline.
Comment: This variant disrupts a region of the RPGR (ORF15) protein in which other variant(s) (p.Leu1130Lysfs*13) have been determined to be pathogenic (PMID: 22264887; Invitae). This suggests that this is a clinically significant region of the protein, and that variants that disrupt it are likely to be disease-causing. For these reasons, this variant has been classified as Pathogenic. This variant has not been reported in the literature in individuals affected with RPGR (ORF15)-related conditions. This sequence change creates a premature translational stop signal (p.Glu959Aspfs*145) in the RPGR (ORF15) gene. While this is not anticipated to result in nonsense mediated decay, it is expected to disrupt the last 194 amino acid(s) of the RPGR (ORF15) protein. The frequency data for this variant in the population databases is considered unreliable, as metrics indicate insufficient coverage at this position in the gnomAD database.

Literature cited by the submitters: PubMed 22264887.